The following is an entry in ClinVar:

NM_152564.5(VPS13B):c.4341_4342insGGCCGGGCGCGGTGGCTCACGCCTGTAATCCCAGCACTTTGGGAGGCCGAGGCGGGCGGATCACGAGGTNNNNNNNNNNAAAAAAAAAAAAAAAAAAAAAAGAAATGAGCGAAGA (p.Ser1448delinsGlyArgAlaArgTrpLeuThrProValIleProAlaLeuTrpGluAlaGluAlaGlyGlySerArgGlyXaaXaaXaaXaaLysLysLysLysLysLysLysLysTer)

Gene: VPS13B (vacuolar protein sorting 13 homolog B; plus strand). Cytogenetic location: 8q22.2.
Variant type: Insertion.
Coding change: c.4341_4342insGGCCGGGCGCGGTGGCTCACGCCTGTAATCCCAGCACTTTGGGAGGCCGAGGCGGGCGGATCACGAGGTNNNNNNNNNNAAAAAAAAAAAAAAAAAAAAAAGAAATGAGCGAAGA on transcript NM_152564.5 (MANE Select); coding-DNA positions 4341 to 4342, GGCCGGGCGCGGTGGCTCACGCCTGTAATCCCAGCACTTTGGGAGGCCGAGGCGGGCGGATCACGAGGTNNNNNNNNNNAAAAAAAAAAAAAAAAAAAAAAGAAATGAGCGAAGA inserted.
Protein change: p.Ser1448delinsGlyArgAlaArgTrpLeuThrProValIleProAlaLeuTrpGluAlaGluAlaGlyGlySerArgGlyXaaXaaXaaXaaLysLysLysLysLysLysLysLysTer.
Molecular consequence: nonsense.
Genome position: GRCh38: chr8:99,511,220-99,511,221. GRCh37 (hg19): chr8:100,523,448-100,523,449.
Other names: c.4416_4417insGGCCGGGCGCGGTGGCTCACGCCTGTAATCCCAGCACTTTGGGAGGCCGAGGCGGGCGGATCACGAGGTNNNNNNNNNNAAAAAAAAAAAAAAAAAAAAAAGAAATGAGCGAAGA, p.Ser1473delinsGlyArgAlaArgTrpLeuThrProValIleProAlaLeuTrpGluAlaGluAlaGlyGlySerArgGlyXaaXaaXaaXaaLysLysLysLysLysLysLysLysTer (NM_017890.5).
Identifiers: ClinVar variation 3725650 (VCV003725650.2).

ClinVar aggregate classification (germline): Pathogenic (1 of 4 stars; one submission).

Conditions:
Cohen syndrome (COH1). Also called: Cutis verticis gyrata, retinitis pigmentosa, and sensorineural deafness; PEPPER SYNDROME. Identifiers: Orphanet 193, MedGen C0265223, MONDO:0008999, OMIM 216550.

Submission:

Labcorp Genetics (formerly Invitae), Labcorp
Classification: Pathogenic for Cohen syndrome. Last evaluated: 2024-11-19. Review status: criteria provided, single submitter. Criteria: Invitae Variant Classification Sherloc (09022015). Collection method: clinical testing. Allele origin: germline.
Comment: This sequence change inserts a large fragment of DNA, likely a transposable element, in exon 29 of the VPS13B gene (c.4416_4417ins?), causing a frameshift at codon 1473 (p.Ser1473fs). The exact size and sequence of the insertion cannot be determined by the current assay. However, the insertion is expected to result in an absent or disrupted protein product. This variant is not present in population databases (gnomAD no frequency). This variant has not been reported in the literature in individuals affected with VPS13B-related conditions. Retrotransposon insertions including LINE1 (L1), Alu, and SVA (SINE-VNTR-Alu) have been reported to be disease-causing through disruption of either a coding region or splice site (PMID: 19763152, 20307669, 22406018) and loss-of-function variants in VPS13B are known to be pathogenic (PMID: 15141358, 16648375, 20461111). For these reasons, this variant has been classified as Pathogenic.

Literature cited by the submitters: PubMed 19763152; PubMed 20307669; PubMed 22406018; PubMed 15141358; PubMed 16648375; PubMed 20461111.